The following is an entry in ClinVar:

ClinVar aggregate classification (germline): Uncertain significance (1 of 4 stars; one submission).

Submission:

Labcorp Genetics (formerly Invitae), Labcorp
Classification: Uncertain significance. Last evaluated: 2025-12-25. Review status: criteria provided, single submitter. Criteria: Invitae Variant Classification Sherloc (09022015). Collection method: clinical testing. Allele origin: germline.
Comment: This sequence change affects the initiator codon of the RBPJ mRNA. This change may impact translation initiation or efficiency. The next in-frame methionine is located at codon 36. This variant is not present in population databases (gnomAD no frequency). This variant has not been reported in the literature in individuals affected with RBPJ-related conditions. Experimental studies and prediction algorithms are not available or were not evaluated, and the functional significance of this variant is currently unknown. In summary, the available evidence is currently insufficient to determine the role of this variant in disease. Therefore, it has been classified as a Variant of Uncertain Significance.

NC_000004.12:g.26320757A>G

Gene: RBPJ (recombination signal binding protein for immunoglobulin kappa J region; plus strand). Cytogenetic location: 4p15.2.
Variant type: single nucleotide variant.
Molecular consequence: missense variant, initiator codon variant (on NM_005349.4). On other transcripts: intron variant (4), 5 prime UTR variant (1).
Genome position: GRCh38 VCF-style: chr4-26320757-A-G. GRCh37 (hg19) VCF-style: chr4-26322379-A-G.
Other names: c.1A>G, p.Met1Val (NM_005349.4, NM_001374400.1, NM_001379408.1); c.-166-41689A>G (NM_001374401.1); c.-167+869A>G (NM_001379406.1); c.-47+869A>G (NM_203283.5); c.14+869A>G (NM_001379409.1); c.-225A>G (NM_001379407.1); short protein forms M1V.
Identifiers: ClinVar variation 4726132 (VCV004726132.1).